The following is an entry in ClinVar:

NM_001374385.1(ATP8B1):c.2098-9A>C

Genes: ATP8B1 (ATPase phospholipid transporting 8B1; minus strand), ATP8B1-AS1 (ATP8B1 antisense RNA 1; plus strand). Cytogenetic location: 18q21.31.
Variant type: single nucleotide variant.
Coding change: c.2098-9A>C on transcript NM_001374385.1 (MANE Select); 9 bases into the intron before coding-DNA position 2098, A replaced by C.
Molecular consequence: intron variant. On other transcripts: non-coding transcript variant (1).
Genome position (GRCh38, 1-based): chr18:57,668,549, T>G on the plus strand (A>C on the coding strand, the complement: ATP8B1 is on the minus strand). VCF-style: chr18-57668549-T-G. GRCh37 (hg19) VCF-style: chr18-55335781-T-G.
Other names: c.2098-9A>C (NM_005603.6); c.1948-9A>C (NM_001374386.1).
Identifiers: ClinVar variation 3344518 (VCV003344518.1).

ClinVar aggregate classification (germline): Likely benign (0 of 4 stars; one submission).

Conditions:
ATP8B1-related disorder. Also called: ATP8B1-related condition; ATP8B1-related disorders.

Submission:

PreventionGenetics, part of Exact Sciences
Classification: Likely benign for ATP8B1-related condition. Last evaluated: 2024-06-08. Review status: no assertion criteria provided. Collection method: clinical testing. Allele origin: germline.
Comment: This variant is classified as likely benign based on ACMG/AMP sequence variant interpretation guidelines (Richards et al. 2015 PMID: 25741868, with internal and published modifications).